The following is an entry in ClinVar:

NM_000836.4(GRIN2D):c.1187G>C (p.Arg396Thr)

Gene: GRIN2D (glutamate ionotropic receptor NMDA type subunit 2D; plus strand). Cytogenetic location: 19q13.33.
Variant type: single nucleotide variant.
Coding change: c.1187G>C on transcript NM_000836.4 (MANE Select); coding-DNA position 1187, G replaced by C.
Protein change: p.Arg396Thr; replaces arginine 396 with threonine.
Molecular consequence: missense variant.
Genome position (GRCh38, 1-based): chr19:48,414,092, G>C. VCF-style: chr19-48414092-G-C. GRCh37 (hg19) VCF-style: chr19-48917349-G-C.
Other names: short protein forms R396T.
Identifiers: ClinVar variation 2785926 (VCV002785926.3), dbSNP rs2513670645, ClinGen allele CA406695014.

ClinVar aggregate classification (germline): Uncertain significance (1 of 4 stars; one submission).

Submission:

Labcorp Genetics (formerly Invitae), Labcorp
Classification: Uncertain significance. Last evaluated: 2023-10-02. Review status: criteria provided, single submitter. Criteria: Invitae Variant Classification Sherloc (09022015). Collection method: clinical testing. Allele origin: germline.
Comment: This sequence change replaces arginine, which is basic and polar, with threonine, which is neutral and polar, at codon 396 of the GRIN2D protein (p.Arg396Thr). This variant is not present in population databases (gnomAD no frequency). This variant has not been reported in the literature in individuals affected with GRIN2D-related conditions. Advanced modeling of protein sequence and biophysical properties (such as structural, functional, and spatial information, amino acid conservation, physicochemical variation, residue mobility, and thermodynamic stability) performed at Invitae indicates that this missense variant is not expected to disrupt GRIN2D protein function. In summary, the available evidence is currently insufficient to determine the role of this variant in disease. Therefore, it has been classified as a Variant of Uncertain Significance.